The following is an entry in ClinVar:

ClinVar aggregate classification (germline): Uncertain significance. Review status: criteria provided, multiple submitters, no conflicts (2 of 4 stars). 2 submissions from 2 submitters: Uncertain significance (2). Last evaluated 2022-05-25.

Allele frequency attached by ClinVar (database versions not stated): gnomAD exomes below 0.00001.
gnomAD v4.1: 2 of 1,613,616 alleles (0.00012%); highest among the groups gnomAD compares: Non-Finnish European, 0.00017%; no homozygotes.

Submissions (2):

Labcorp Genetics (formerly Invitae), Labcorp
Classification: Uncertain significance. Last evaluated: 2022-05-25. Review status: criteria provided, single submitter. Criteria: Invitae Variant Classification Sherloc (09022015). Collection method: clinical testing. Allele origin: germline.
Comment: In summary, the available evidence is currently insufficient to determine the role of this variant in disease. Therefore, it has been classified as a Variant of Uncertain Significance. Algorithms developed to predict the effect of missense changes on protein structure and function are either unavailable or do not agree on the potential impact of this missense change (SIFT: "Deleterious"; PolyPhen-2: "Probably Damaging"; Align-GVGD: "Class C0"). ClinVar contains an entry for this variant (Variation ID: 624153). This variant has not been reported in the literature in individuals affected with SCN3A-related conditions. This variant is not present in population databases (gnomAD no frequency). This sequence change replaces asparagine, which is neutral and polar, with serine, which is neutral and polar, at codon 1194 of the SCN3A protein (p.Asn1194Ser).

CeGaT Center for Human Genetics Tuebingen
Classification: Uncertain significance. Last evaluated: 2018-08-01. Review status: criteria provided, single submitter. Criteria: CeGaT Center For Human Genetics Tuebingen Variant Classification Criteria Version 2. Collection method: clinical testing. Allele origin: germline. Affected: yes. Observed: 2 variant alleles.

NM_006922.4(SCN3A):c.3581A>G (p.Asn1194Ser)

Gene: SCN3A (sodium voltage-gated channel alpha subunit 3; minus strand). Cytogenetic location: 2q24.3.
Variant type: single nucleotide variant.
Coding change: c.3581A>G on transcript NM_006922.4 (MANE Select); coding-DNA position 3581, A replaced by G.
Protein change: p.Asn1194Ser; replaces asparagine 1194 with serine.
Molecular consequence: missense variant.
Genome position (GRCh38, 1-based): chr2:165,113,904, T>C on the plus strand (A>G on the coding strand, the complement: SCN3A is on the minus strand). VCF-style: chr2-165113904-T-C. GRCh37 (hg19) VCF-style: chr2-165970414-T-C.
Other names: c.3434A>G, p.Asn1145Ser (NM_001081676.2, NM_001081677.2); short protein forms N1194S, N1145S.
Identifiers: ClinVar variation 624153 (VCV000624153.47), dbSNP rs1559194563, ClinGen allele CA349033813.